The following is an entry in ClinVar:

NM_004360.5(CDH1):c.487T>C (p.Cys163Arg)

Gene: CDH1 (cadherin 1; plus strand). Cytogenetic location: 16q22.1.
Variant type: single nucleotide variant.
Coding change: c.487T>C on transcript NM_004360.5 (MANE Select); coding-DNA position 487, T replaced by C.
Protein change: p.Cys163Arg; replaces cysteine 163 with arginine.
Molecular consequence: missense variant. On other transcripts: 5 prime UTR variant (2).
Genome position (GRCh38, 1-based): chr16:68,808,523, T>C. VCF-style: chr16-68808523-T-C. GRCh37 (hg19) VCF-style: chr16-68842426-T-C.
Other names: c.487T>C, p.Cys163Arg (NM_001317184.2); c.-1129T>C (NM_001317185.2); c.-1333T>C (NM_001317186.2); short protein forms C163R.
Identifiers: ClinVar variation 1743786 (VCV001743786.6), dbSNP rs2152129761, ClinGen allele CA396457725.
Genomic context (GRCh38, chr16:68,808,523, plus strand): 5'-CCCAACTCCTCTCCTGGCCTCAGAAGACAGAAGAGAGACTGGGTTATTCCTCCCATCAGC[T>C]GCCCAGAAAATGAAAAAGGCCCATTTCCTAAAAACCTGGTTCAGGTAGAGAAAGAAGTTC-3'
Protein context (NP_004351.1, residues 153-173): KRDWVIPPIS[Cys163Arg]PENEKGPFPK

ClinVar aggregate classification (germline): Uncertain significance. Review status: criteria provided, multiple submitters, no conflicts (2 of 4 stars). 2 submissions from 2 submitters: Uncertain significance (2). Last evaluated 2025-02-28.

Conditions:
Hereditary cancer-predisposing syndrome. Also called: Neoplastic Syndromes, Hereditary; Tumor predisposition; Hereditary Cancer Syndrome; Hereditary neoplastic syndrome. Identifiers: Orphanet 140162, MedGen C0027672, MeSH D009386, MONDO:0015356.
Hereditary diffuse gastric adenocarcinoma (HDGC). Also called: DIFFUSE GASTRIC AND LOBULAR BREAST CANCER SYNDROME. Identifiers: Orphanet 26106, MedGen C1708349, MONDO:0007648, OMIM 137215.

Submissions (2):

Ambry Genetics
Classification: Uncertain significance for Hereditary cancer-predisposing syndrome. Last evaluated: 2025-02-28. Review status: criteria provided, single submitter. Criteria: Ambry Variant Classification Scheme 2023. Collection method: clinical testing. Allele origin: germline.
Comment: The p.C163R variant (also known as c.487T>C), located in coding exon 4 of the CDH1 gene, results from a T to C substitution at nucleotide position 487. The cysteine at codon 163 is replaced by arginine, an amino acid with highly dissimilar properties. This amino acid position is not well conserved in available vertebrate species. In addition, the in silico prediction for this alteration is inconclusive. Based on the available evidence, the clinical significance of this variant remains unclear.

Labcorp Genetics (formerly Invitae), Labcorp
Classification: Uncertain significance for Hereditary diffuse gastric adenocarcinoma. Last evaluated: 2023-06-29. Review status: criteria provided, single submitter. Criteria: Invitae Variant Classification Sherloc (09022015). Collection method: clinical testing. Allele origin: germline.
Comment: In summary, the available evidence is currently insufficient to determine the role of this variant in disease. Therefore, it has been classified as a Variant of Uncertain Significance. An algorithm developed to predict the effect of missense changes on protein structure and function (PolyPhen-2) suggests that this variant is likely to be disruptive. ClinVar contains an entry for this variant (Variation ID: 1743786). This variant has not been reported in the literature in individuals affected with CDH1-related conditions. This variant is not present in population databases (gnomAD no frequency). This sequence change replaces cysteine, which is neutral and slightly polar, with arginine, which is basic and polar, at codon 163 of the CDH1 protein (p.Cys163Arg).